The following is an entry in ClinVar:

NM_022437.3(ABCG8):c.386C>A (p.Ser129Ter)

Gene: ABCG8 (ATP binding cassette subfamily G member 8; plus strand). Cytogenetic location: 2p21.
Variant type: single nucleotide variant.
Coding change: c.386C>A on transcript NM_022437.3 (MANE Select); coding-DNA position 386, C replaced by A.
Protein change: p.Ser129Ter; replaces serine 129 with a stop codon.
Molecular consequence: nonsense.
Genome position (GRCh38, 1-based): chr2:43,851,647, C>A. VCF-style: chr2-43851647-C-A. GRCh37 (hg19) VCF-style: chr2-44078786-C-A.
Other names: c.386C>A, p.Ser129Ter (NM_001357321.2); short protein forms S129*.
Identifiers: ClinVar variation 2416955 (VCV002416955.6), dbSNP rs762540907, ClinGen allele CA1637005.

ClinVar aggregate classification (germline): Pathogenic (1 of 4 stars; one submission).

Allele frequency attached by ClinVar (database versions not stated): ExAC 0.00002.
gnomAD v4.1: 6 of 1,614,224 alleles (0.00037%); highest among the groups gnomAD compares: South Asian, 0.0066%; no homozygotes.

Submission:

Labcorp Genetics (formerly Invitae), Labcorp
Classification: Pathogenic. Last evaluated: 2025-11-03. Review status: criteria provided, single submitter. Criteria: Invitae Variant Classification Sherloc (09022015). Collection method: clinical testing. Allele origin: germline.
Comment: This sequence change creates a premature translational stop signal (p.Ser129*) in the ABCG8 gene. It is expected to result in an absent or disrupted protein product. Loss-of-function variants in ABCG8 are known to be pathogenic (PMID: 11452359, 15375183, 16029460). This variant is present in population databases (rs762540907, gnomAD 0.01%). This premature translational stop signal has been observed in individual(s) with clinical features of sitosterolemia (PMID: 32036089). ClinVar contains an entry for this variant (Variation ID: 2416955). For these reasons, this variant has been classified as Pathogenic.

Literature cited by the submitters: PubMed 11452359; PubMed 15375183; PubMed 16029460; PubMed 32036089.